The following is an entry in ClinVar:

ClinVar aggregate classification (germline): Uncertain significance (0 of 4 stars; one submission).

Conditions:
NCOA1-related disorder. Also called: NCOA1-related condition.

Allele frequency attached by ClinVar (database versions not stated): gnomAD 0.00001; gnomAD exomes 0.00001; ExAC 0.00002; TOPMed 0.00006.
gnomAD v4.1: 9 of 1,606,368 alleles (0.00056%); highest among the groups gnomAD compares: Admixed American, 0.014%; no homozygotes.

Submission:

PreventionGenetics, part of Exact Sciences
Classification: Uncertain significance for NCOA1-related condition. Last evaluated: 2024-09-28. Review status: no assertion criteria provided. Collection method: clinical testing. Allele origin: germline.
Comment: The NCOA1 c.164G>C variant is predicted to result in the amino acid substitution p.Ser55Thr. To our knowledge, this variant has not been reported in the literature. This variant is reported in 0.030% of alleles in individuals of Latino descent in gnomAD. At this time, the clinical significance of this variant is uncertain due to the absence of conclusive functional and genetic evidence.

NM_003743.5(NCOA1):c.164G>C (p.Ser55Thr)

Gene: NCOA1 (nuclear receptor coactivator 1; plus strand). Cytogenetic location: 2p23.3.
Variant type: single nucleotide variant.
Coding change: c.164G>C on transcript NM_003743.5 (MANE Select); coding-DNA position 164, G replaced by C.
Protein change: p.Ser55Thr; replaces serine 55 with threonine.
Molecular consequence: missense variant.
Genome position (GRCh38, 1-based): chr2:24,665,823, G>C. VCF-style: chr2-24665823-G-C. GRCh37 (hg19) VCF-style: chr2-24888692-G-C.
Other names: c.164G>C, p.Ser55Thr (NM_001362950.1, NM_001362952.1, NM_001362954.1 and 3 more transcripts); short protein forms S55T.
Identifiers: ClinVar variation 2634357 (VCV002634357.3), dbSNP rs767381377, ClinGen allele CA1551948.